The following is an entry in ClinVar:

NM_006015.6(ARID1A):c.4673C>T (p.Ser1558Phe)

Gene: ARID1A (AT-rich interaction domain 1A; plus strand). Cytogenetic location: 1p36.11.
Variant type: single nucleotide variant.
Coding change: c.4673C>T on transcript NM_006015.6 (MANE Select); coding-DNA position 4673, C replaced by T.
Protein change: p.Ser1558Phe; replaces serine 1558 with phenylalanine.
Molecular consequence: missense variant. On other transcripts: intron variant (1).
Genome position (GRCh38, 1-based): chr1:26,774,900, C>T. VCF-style: chr1-26774900-C-T. GRCh37 (hg19) VCF-style: chr1-27101391-C-T.
Other names: c.4102-80C>T (NM_139135.4); short protein forms S1558F.
Identifiers: ClinVar variation 1710639 (VCV001710639.2), dbSNP rs2081119291, ClinGen allele CA339177553.

ClinVar aggregate classification (germline): Uncertain significance (1 of 4 stars; one submission).

Submission:

GeneDx
Classification: Uncertain significance. Last evaluated: 2022-04-17. Review status: criteria provided, single submitter. Criteria: GeneDx Variant Classification Process June 2021. Collection method: clinical testing. Allele origin: germline. Affected: yes.
Comment: Not observed at significant frequency in large population cohorts (gnomAD); In silico analysis supports that this missense variant has a deleterious effect on protein structure/function; Has not been previously published as pathogenic or benign to our knowledge